The following is an entry in ClinVar:

ClinVar aggregate classification (germline): Uncertain significance (1 of 4 stars; one submission).

gnomAD v4.1: 4 of 1,612,466 alleles (0.00025%); highest among the groups gnomAD compares: Non-Finnish European, 0.00025%; no homozygotes.

Submission:

Labcorp Genetics (formerly Invitae), Labcorp
Classification: Uncertain significance. Last evaluated: 2021-11-23. Review status: criteria provided, single submitter. Criteria: Invitae Variant Classification Sherloc (09022015). Collection method: clinical testing. Allele origin: germline.
Comment: This sequence change replaces threonine, which is neutral and polar, with isoleucine, which is neutral and non-polar, at codon 470 of the PYROXD1 protein (p.Thr470Ile). This variant is not present in population databases (gnomAD no frequency). This variant has not been reported in the literature in individuals affected with PYROXD1-related conditions. Algorithms developed to predict the effect of missense changes on protein structure and function are either unavailable or do not agree on the potential impact of this missense change (SIFT: "Deleterious"; PolyPhen-2: "Possibly Damaging"; Align-GVGD: "Class C0"). In summary, the available evidence is currently insufficient to determine the role of this variant in disease. Therefore, it has been classified as a Variant of Uncertain Significance.

NM_024854.5(PYROXD1):c.1409C>T (p.Thr470Ile)

Gene: PYROXD1 (pyridine nucleotide-disulphide oxidoreductase domain 1; plus strand). Cytogenetic location: 12p12.1.
Variant type: single nucleotide variant.
Coding change: c.1409C>T on transcript NM_024854.5 (MANE Select); coding-DNA position 1409, C replaced by T.
Protein change: p.Thr470Ile; replaces threonine 470 with isoleucine.
Molecular consequence: missense variant.
Genome position (GRCh38, 1-based): chr12:21,468,660, C>T. VCF-style: chr12-21468660-C-T. GRCh37 (hg19) VCF-style: chr12-21621594-C-T.
Other names: c.1196C>T, p.Thr399Ile (NM_001350912.2); c.632C>T, p.Thr211Ile (NM_001350913.2); short protein forms T211I, T399I, T470I.
Identifiers: ClinVar variation 1415953 (VCV001415953.3), dbSNP rs1942850033, ClinGen allele CA384112734.